The following is an entry in ClinVar:

ClinVar aggregate classification (germline): Pathogenic (1 of 4 stars; one submission).

Conditions:
Coffin-Siris syndrome 6. Identifiers: MedGen C4540499, MONDO:0033492, OMIM 617808.

Submission:

Institute of Human Genetics, Clinical Exome/Genome Diagnostics Group, University Hospital Bonn
Classification: Pathogenic for Coffin-Siris syndrome 6. Last evaluated: 2021-12-20. Review status: criteria provided, single submitter. Criteria: ACMG Guidelines, 2015. Collection method: clinical testing. Allele origin: de novo. Affected: yes.
Comment: PVS1, PS2, PM2

NM_152641.4(ARID2):c.1331-1G>C

Gene: ARID2 (AT-rich interaction domain 2; plus strand). Cytogenetic location: 12q12.
Variant type: single nucleotide variant.
Coding change: c.1331-1G>C on transcript NM_152641.4 (MANE Select); the canonical splice acceptor site of the intron before coding-DNA position 1331, G replaced by C.
Molecular consequence: splice acceptor variant.
Genome position (GRCh38, 1-based): chr12:45,839,328, G>C. VCF-style: chr12-45839328-G-C. GRCh37 (hg19) VCF-style: chr12-46233111-G-C.
Other names: c.1331-1G>C (NM_001347839.2).
Identifiers: ClinVar variation 1343246 (VCV001343246.1), dbSNP rs2138136386, ClinGen allele CA384457523.